The following is an entry in ClinVar:

ClinVar aggregate classification (germline): Conflicting classifications of pathogenicity. Review status: criteria provided, conflicting classifications (1 of 4 stars). 4 submissions from 4 submitters: Uncertain significance (1); Likely benign (3). Last evaluated 2026-06-16.

Conditions:
Upshaw-Schulman syndrome (TTP). Also called: Congenital thrombotic thrombocytopenic purpura; THROMBOTIC THROMBOCYTOPENIC PURPURA, HEREDITARY. Identifiers: Orphanet 93583, MedGen C1268935, MONDO:0010122, OMIM 274150.
ADAMTS13-related disorder. Also called: ADAMTS13-related condition.

Allele frequency attached by ClinVar (database versions not stated): gnomAD 0.00005 and 0.00006; gnomAD exomes 0.00005 and 0.00011; TOPMed 0.00009; ExAC 0.00018; ESP Exome Variant Server 0.00031.
gnomAD v4.1: 83 of 1,588,768 alleles (0.0052%); highest among the groups gnomAD compares: Non-Finnish European, 0.0014%; no homozygotes.

Submissions (4):

PreventionGenetics, part of Exact Sciences
Classification: Likely benign for ADAMTS13-related condition. Last evaluated: 2026-06-16. Review status: criteria provided, single submitter. Criteria: ACMG Guidelines, 2015. Collection method: clinical testing. Allele origin: germline.
Comment: This variant is classified as likely benign based on ACMG/AMP sequence variant interpretation guidelines (Richards et al. 2015 PMID: 25741868, with internal and published modifications).

Labcorp Genetics (formerly Invitae), Labcorp
Classification: Likely benign. Last evaluated: 2025-07-07. Review status: criteria provided, single submitter. Criteria: Invitae Variant Classification Sherloc (09022015). Collection method: clinical testing. Allele origin: germline.

Blueprint Genetics
Classification: Likely benign. Last evaluated: 2024-10-08. Review status: criteria provided, single submitter. Criteria: ACMG Guidelines, 2015. Collection method: clinical testing. Allele origin: germline.

Illumina Laboratory Services, Illumina
Classification: Uncertain significance for Upshaw-Schulman syndrome. Last evaluated: 2018-01-12. Review status: criteria provided, single submitter. Criteria: ICSL Variant Classification Criteria 13 December 2019. Collection method: clinical testing. Allele origin: germline.

NM_139027.6(ADAMTS13):c.3044+10C>T

Gene: ADAMTS13 (ADAM metallopeptidase with thrombospondin type 1 motif 13; plus strand). Cytogenetic location: 9q34.2.
Variant type: single nucleotide variant.
Coding change: c.3044+10C>T on transcript NM_139027.6 (MANE Select); 10 bases into the intron after coding-DNA position 3044, C replaced by T.
Molecular consequence: intron variant.
Genome position (GRCh38, 1-based): chr9:133,449,975, C>T. VCF-style: chr9-133449975-C-T. GRCh37 (hg19) VCF-style: chr9-136315096-C-T.
Other names: c.3044+10C>T (NM_139025.5); c.2951+10C>T (NM_139026.6).
Identifiers: ClinVar variation 365560 (VCV000365560.10), dbSNP rs375335095, ClinGen allele CA10629429.